The following is an entry in ClinVar:

NM_000135.4(FANCA):c.2032G>T (p.Ala678Ser)

Gene: FANCA (FA complementation group A; minus strand). Cytogenetic location: 16q24.3.
Variant type: single nucleotide variant.
Coding change: c.2032G>T on transcript NM_000135.4 (MANE Select); coding-DNA position 2032, G replaced by T.
Protein change: p.Ala678Ser; replaces alanine 678 with serine.
Molecular consequence: missense variant.
Genome position (GRCh38, 1-based): chr16:89,771,797, C>A on the plus strand (G>T on the coding strand, the complement: FANCA is on the minus strand). VCF-style: chr16-89771797-C-A. GRCh37 (hg19) VCF-style: chr16-89838205-C-A.
Other names: c.2032G>T, p.Ala678Ser (NM_001286167.3); short protein forms A678S.
Identifiers: ClinVar variation 2681894 (VCV002681894.3), dbSNP rs1567619908, ClinGen allele CA397448690.

ClinVar aggregate classification (germline): Uncertain significance. Review status: criteria provided, multiple submitters, no conflicts (2 of 4 stars). 2 submissions from 2 submitters: Uncertain significance (2). Last evaluated 2026-02-16.

Conditions:
Inborn genetic diseases. Identifiers: MedGen C0950123, MeSH D030342.

Allele frequency attached by ClinVar (database versions not stated): TOPMed below 0.00001; gnomAD 0.00001.
gnomAD v4.1: 2 of 1,613,872 alleles (0.00012%); highest among the groups gnomAD compares: Admixed American, 0.0017%; no homozygotes.

Submissions (2):

Ambry Genetics
Classification: Uncertain significance for Inborn genetic diseases. Last evaluated: 2026-02-16. Review status: criteria provided, single submitter. Criteria: Ambry Variant Classification Scheme 2023. Collection method: clinical testing. Allele origin: germline.

Quest Diagnostics Nichols Institute San Juan Capistrano
Classification: Uncertain significance. Last evaluated: 2023-08-17. Review status: criteria provided, single submitter. Criteria: Quest Diagnostics criteria. Collection method: clinical testing. Allele origin: unknown.
Comment: To the best of our knowledge, this variant has not been reported in the published literature. The frequency of this variant in the general population, 0.000004 (1/251482 chromosomes (Genome Aggregation Database)), is uninformative in the assessment of its pathogenicity. Analysis of this variant using bioinformatics tools for the prediction of the effect of amino acid changes on protein structure and function yielded conflicting predictions that this variant is benign or damaging. Based on the available information, we are unable to determine the clinical significance of this variant.